The following is an entry in ClinVar:

ClinVar aggregate classification (germline): Likely benign (0 of 4 stars; one submission).

Conditions:
NRP1-related disorder. Also called: NRP1-related condition.

gnomAD v4.1: 78 of 1,613,398 alleles (0.0048%); highest among the groups gnomAD compares: Admixed American, 0.037%; no homozygotes.

Submission:

PreventionGenetics, part of Exact Sciences
Classification: Likely benign for NRP1-related condition. Last evaluated: 2021-09-09. Review status: no assertion criteria provided. Collection method: clinical testing. Allele origin: germline.
Comment: This variant is classified as likely benign based on ACMG/AMP sequence variant interpretation guidelines (Richards et al. 2015 PMID: 25741868, with internal and published modifications).

NM_003873.7(NRP1):c.1332C>T (p.Asp444=)

Gene: NRP1 (neuropilin 1; minus strand). Cytogenetic location: 10p11.22.
Variant type: single nucleotide variant.
Coding change: c.1332C>T on transcript NM_003873.7 (MANE Select); coding-DNA position 1332, C replaced by T.
Protein change: p.Asp444=; no amino-acid change (aspartic acid 444 retained).
Molecular consequence: synonymous variant. On other transcripts: non-coding transcript variant (1).
Genome position (GRCh38, 1-based): chr10:33,213,668, G>A on the plus strand (C>T on the coding strand, the complement: NRP1 is on the minus strand). VCF-style: chr10-33213668-G-A. GRCh37 (hg19) VCF-style: chr10-33502596-G-A.
Other names: c.1332C>T, p.Asp444= (NM_001024628.3, NM_001024629.3, NM_001244972.2 and 2 more transcripts).
Identifiers: ClinVar variation 3350623 (VCV003350623.1).